The following is an entry in ClinVar:

NM_020774.4(MIB1):c.393A>T (p.Gly131=)

Gene: MIB1 (MIB E3 ubiquitin protein ligase 1; plus strand). Cytogenetic location: 18q11.2.
Variant type: single nucleotide variant.
Coding change: c.393A>T on transcript NM_020774.4 (MANE Select); coding-DNA position 393, A replaced by T.
Protein change: p.Gly131=; no amino-acid change (glycine 131 retained).
Molecular consequence: synonymous variant.
Genome position (GRCh38, 1-based): chr18:21,765,935, A>T. VCF-style: chr18-21765935-A-T. GRCh37 (hg19) VCF-style: chr18-19345896-A-T.
Identifiers: ClinVar variation 5041590 (VCV005041590.1).

ClinVar aggregate classification (germline): Likely benign (1 of 4 stars; one submission).

Submission:

CeGaT Center for Human Genetics Tuebingen
Classification: Likely benign. Last evaluated: 2026-09-01. Review status: criteria provided, single submitter. Criteria: CeGaT Center For Human Genetics Tuebingen Variant Classification Criteria Version 2. Collection method: clinical testing. Allele origin: germline. Affected: yes. Observed: 1 variant allele.
Comment: MIB1: PM2:Supporting, BP4, BP7